The following is an entry in ClinVar:

ClinVar aggregate classification (germline): Pathogenic (1 of 4 stars; one submission).

Conditions:
Anemia, nonspherocytic hemolytic, due to G6PD deficiency (CNSHA1). Also called: Hemolytic anemia due to G6PD deficiency; Class I glucose-6-phosphate dehydrogenase deficiency; Favism, susceptibility to; ANEMIA, CONGENITAL, NONSPHEROCYTIC HEMOLYTIC, 1. Identifiers: Orphanet 466026, MedGen C2720289, MONDO:0010480, OMIM 300908.

Submission:

Dunham Lab, University of Washington
Classification: Pathogenic for Anemia, nonspherocytic hemolytic, due to G6PD deficiency. Last evaluated: 2022-08-12. Review status: criteria provided, single submitter. Criteria: Bayesian ACMG Guidelines, 2018. Collection method: curation. Allele origin: de novo. Affected: yes.
Comment: Variant found in unrelated hemizygotes with deficiency, acute anemia, and CNSHA (PS4_M, PP4). Decreased activity and stability in red blood cells (10-18%) and decreased specific activity in E. coli (20%) (PS3). Not found in gnomAD (PM2). Post_P 0.997 (odds of pathogenicity 3158, Prior_P 0.1).

Literature cited by the submitters: PubMed 9290617; PubMed 12850494; PubMed 26633385.

NM_001360016.2(G6PD):c.713A>G (p.Lys238Arg)

Gene: G6PD (glucose-6-phosphate dehydrogenase; minus strand). Cytogenetic location: Xq28.
Variant type: single nucleotide variant.
Coding change: c.713A>G on transcript NM_001360016.2 (MANE Select); coding-DNA position 713, A replaced by G.
Protein change: p.Lys238Arg; replaces lysine 238 with arginine.
Molecular consequence: missense variant.
Genome position (GRCh38, 1-based): chrX:154,534,092, T>C on the plus strand (A>G on the coding strand, the complement: G6PD is on the minus strand). VCF-style: chrX-154534092-T-C. GRCh37 (hg19) VCF-style: chrX-153762307-T-C.
Other names: G6PD Durham; c.803A>G, p.Lys268Arg (NM_000402.4); c.713A>G, p.Lys238Arg (NM_001042351.3); short protein forms K238R, K268R.
Identifiers: ClinVar variation 1722661 (VCV001722661.2), dbSNP rs2523266771, ClinGen allele CA415236522.
Genomic context (GRCh38, chrX:154,534,092, plus strand): 5'-CACCGGATGATCCCAAATTCATCGAAATAGCCCCCGCGACCCTCAGTGCCAAAGGGCTCC[T>C]TGAAGGTGAGGATAACGCAGGCGATGTTGTCCCGGTTCCAGATGGGGCCGAAGATCCTGT-3'
Protein context (NP_001346945.1, residues 228-248): DNIACVILTF[Lys238Arg]EPFGTEGRGG